The following is an entry in ClinVar:

ClinVar aggregate classification (germline): Uncertain significance (1 of 4 stars; one submission).

Submission:

Labcorp Genetics (formerly Invitae), Labcorp
Classification: Uncertain significance. Last evaluated: 2022-02-09. Review status: criteria provided, single submitter. Criteria: Invitae Variant Classification Sherloc (09022015). Collection method: clinical testing. Allele origin: germline.
Comment: In summary, the available evidence is currently insufficient to determine the role of this variant in disease. Therefore, it has been classified as a Variant of Uncertain Significance. Advanced modeling of protein sequence and biophysical properties (such as structural, functional, and spatial information, amino acid conservation, physicochemical variation, residue mobility, and thermodynamic stability) performed at Invitae indicates that this missense variant is not expected to disrupt COL27A1 protein function. This variant has not been reported in the literature in individuals affected with COL27A1-related conditions. This variant is not present in population databases (gnomAD no frequency). This sequence change replaces methionine, which is neutral and non-polar, with threonine, which is neutral and polar, at codon 1269 of the COL27A1 protein (p.Met1269Thr).

NM_032888.4(COL27A1):c.3806T>C (p.Met1269Thr)

Gene: COL27A1 (collagen type XXVII alpha 1 chain; plus strand). Cytogenetic location: 9q32.
Variant type: single nucleotide variant.
Coding change: c.3806T>C on transcript NM_032888.4 (MANE Select); coding-DNA position 3806, T replaced by C.
Protein change: p.Met1269Thr; replaces methionine 1269 with threonine.
Molecular consequence: missense variant.
Genome position (GRCh38, 1-based): chr9:114,282,491, T>C. VCF-style: chr9-114282491-T-C. GRCh37 (hg19) VCF-style: chr9-117044771-T-C.
Other names: short protein forms M1269T.
Identifiers: ClinVar variation 1369927 (VCV001369927.8), dbSNP rs2135703042, ClinGen allele CA374598682.